The following is an entry in ClinVar:

ClinVar aggregate classification (germline): Uncertain significance (1 of 4 stars; one submission).

gnomAD v4.1: 6 of 152,122 alleles (0.0039%); highest among the groups gnomAD compares: African/African-American, 0.0072%; no homozygotes.

Submission:

Institute for Human Genetics, University Hospital Essen
Classification: Uncertain significance. Last evaluated: 2025-11-27. Review status: criteria provided, single submitter. Criteria: Submitter's publication. Collection method: clinical testing. Allele origin: germline. Inheritance: Autosomal unknown. Affected: yes. Observed: 2 variant alleles, 2 compound heterozygotes.
Comment: PS4_supp, PM1, PM2_supp (criteria rationale detailed in Leitão et al. Nature Genetics 2026)

NR_199791.1(RNU2-2):n.13C>T

Genes: RNU2-2 (RNA, U2 small nuclear 2; minus strand), WDR74 (WD repeat domain 74; minus strand). Cytogenetic location: 11q12.3.
Variant type: single nucleotide variant.
Molecular consequence: non-coding transcript variant (on NR_199791.1). On other transcripts: 5 prime UTR variant (1).
Genome position: GRCh38 VCF-style: chr11-62841797-G-A. GRCh37 (hg19) VCF-style: chr11-62609269-G-A.
Other names: c.-526C>T (NM_001369451.1).
Identifiers: ClinVar variation 4540532 (VCV004540532.1).